The following is an entry in ClinVar:

NM_000232.5(SGCB):c.610T>C (p.Ser204Pro)

Gene: SGCB (sarcoglycan beta; minus strand). Cytogenetic location: 4q12.
Variant type: single nucleotide variant.
Coding change: c.610T>C on transcript NM_000232.5 (MANE Select); coding-DNA position 610, T replaced by C.
Protein change: p.Ser204Pro; replaces serine 204 with proline.
Molecular consequence: missense variant.
Genome position (GRCh38, 1-based): chr4:52,028,741, A>G on the plus strand (T>C on the coding strand, the complement: SGCB is on the minus strand). VCF-style: chr4-52028741-A-G. GRCh37 (hg19) VCF-style: chr4-52894907-A-G.
Other names: short protein forms S204P.
Identifiers: ClinVar variation 289348 (VCV000289348.9), dbSNP rs886044156, ClinGen allele CA10606417.

ClinVar aggregate classification (germline): Likely pathogenic. Review status: criteria provided, multiple submitters, no conflicts (2 of 4 stars). 4 submissions from 4 submitters: Likely pathogenic (3). 1 of the submissions does not count toward it. Last evaluated 2025-08-21.

Conditions:
Autosomal recessive limb-girdle muscular dystrophy type 2E (LGMDR4). Also called: MUSCULAR DYSTROPHY, LIMB-GIRDLE, AUTOSOMAL RECESSIVE 4. Identifiers: Orphanet 119, MedGen C1858593, MONDO:0011423, OMIM 604286. Disease mechanism: Affects gamma-sarcoglycan and also disrupts the integrity of the entire sarcoglycan complex..

gnomAD v4.1: 2 of 1,608,898 alleles (0.00012%); highest among the groups gnomAD compares: South Asian, 0.0022%; no homozygotes.

Submissions (4):

Labcorp Genetics (formerly Invitae), Labcorp
Classification: Likely pathogenic for Autosomal recessive limb-girdle muscular dystrophy type 2E. Last evaluated: 2025-08-21. Review status: criteria provided, single submitter. Criteria: Invitae Variant Classification Sherloc (09022015). Collection method: clinical testing. Allele origin: germline.
Comment: This sequence change replaces serine, which is neutral and polar, with proline, which is neutral and non-polar, at codon 204 of the SGCB protein (p.Ser204Pro). This variant is not present in population databases (gnomAD no frequency). This missense change has been observed in individual(s) with limb-girdle muscular dystrophy (PMID: 31066050). It has also been observed to segregate with disease in related individuals. ClinVar contains an entry for this variant (Variation ID: 289348). Invitae Evidence Modeling of protein sequence and biophysical properties (such as structural, functional, and spatial information, amino acid conservation, physicochemical variation, residue mobility, and thermodynamic stability) indicates that this missense variant is not expected to disrupt SGCB protein function with a negative predictive value of 80%. Experimental studies have shown that this missense change affects SGCB function (PMID: 37317968). In summary, the currently available evidence indicates that the variant is pathogenic, but additional data are needed to prove that conclusively. Therefore, this variant has been classified as Likely Pathogenic.

3billion
Classification: Likely pathogenic for Autosomal recessive limb-girdle muscular dystrophy type 2E. Last evaluated: 2025-05-29. Review status: criteria provided, single submitter. Criteria: ACMG Guidelines, 2015. Collection method: clinical testing. Allele origin: germline. Affected: yes.
Comment: The variant is observed at an extremely low frequency in the gnomAD v4.1.0 dataset (total allele frequency: <0.001%). Predicted Consequence/Location: Missense variant. The majority of the known disease-causing variants of this gene are variants expected to result in premature termination of the protein. In silico tool predictions suggest damaging effect of the variant on gene or gene product [REVEL: 0.85 (>=0.6, sensitivity 0.68 and specificity 0.92); 3Cnet: 0.00 (> 0.75, sensitivity 0.96 and precision 0.92)]. The same nucleotide change resulting in the same amino acid change has been previously reported to be associated with SGCB-related disorder (ClinVar ID: VCV000289348 /PMID: 31066050).The variant has been reported to be in trans with a pathogenic variant as either compound heterozygous or homozygous in at least one similarly affected unrelated individual (PMID: 31066050). The variant has been reported to co-segregate with the disease in at least one similarly affected relative/individual in the same family or similarly affected unrelated families (PMID: 31066050). Therefore, this variant is classified as Likely pathogenic according to the recommendation of ACMG/AMP guideline.

Baylor Genetics
Classification: Likely pathogenic for Autosomal recessive limb-girdle muscular dystrophy type 2E. Last evaluated: 2024-01-02. Review status: criteria provided, single submitter. Criteria: ACMG Guidelines, 2015. Collection method: clinical testing. Allele origin: unknown.

Eurofins Ntd Llc (ga)
Classification: Uncertain significance. Last evaluated: 2016-07-12. Review status: flagged submission. Criteria: EGL Classification Definitions 2015. Collection method: clinical testing. Allele origin: germline. Observed: 1 variant allele, 1 homozygote. Not counted in ClinVar's aggregate classification.
ClinVar note: Reason: Claim with insufficient supporting evidence

Literature cited by the submitters: PubMed 31066050 (cited by Labcorp Genetics (formerly Invitae), Labcorp and 3billion); PubMed 37317968 (cited by Labcorp Genetics (formerly Invitae), Labcorp).